The following is an entry in ClinVar:

ClinVar aggregate classification (germline): Uncertain significance (1 of 4 stars; one submission).

Conditions:
Joubert syndrome. Also called: CEREBELLOPARENCHYMAL DISORDER IV; JOUBERT-BOLTSHAUSER SYNDROME; Familial aplasia of the vermis. Identifiers: Orphanet 475, MedGen C5979921, MONDO:0018772.
Meckel-Gruber syndrome. Also called: DYSENCEPHALIA SPLANCHNOCYSTICA; GRUBER SYNDROME; Dysencephalia splachnocystica. Identifiers: Orphanet 564, MedGen C0265215, MONDO:0018921.

Submission:

Labcorp Genetics (formerly Invitae), Labcorp
Classification: Uncertain significance for Joubert syndrome; Meckel-Gruber syndrome. Last evaluated: 2022-03-31. Review status: criteria provided, single submitter. Criteria: Invitae Variant Classification Sherloc (09022015). Collection method: clinical testing. Allele origin: germline.
Comment: This variant has not been reported in the literature in individuals affected with TMEM67-related conditions. This variant is not present in population databases (gnomAD no frequency). This sequence change replaces valine, which is neutral and non-polar, with phenylalanine, which is neutral and non-polar, at codon 507 of the TMEM67 protein (p.Val507Phe). In summary, the available evidence is currently insufficient to determine the role of this variant in disease. Therefore, it has been classified as a Variant of Uncertain Significance. Algorithms developed to predict the effect of sequence changes on RNA splicing suggest that this variant may create or strengthen a splice site. Algorithms developed to predict the effect of missense changes on protein structure and function (SIFT, PolyPhen-2, Align-GVGD) all suggest that this variant is likely to be tolerated.

NM_153704.6(TMEM67):c.1519G>T (p.Val507Phe)

Gene: TMEM67 (transmembrane protein 67; plus strand). Cytogenetic location: 8q22.1.
Variant type: single nucleotide variant.
Coding change: c.1519G>T on transcript NM_153704.6 (MANE Select); coding-DNA position 1519, G replaced by T.
Protein change: p.Val507Phe; replaces valine 507 with phenylalanine.
Molecular consequence: missense variant. On other transcripts: non-coding transcript variant (1).
Genome position (GRCh38, 1-based): chr8:93,791,263, G>T. VCF-style: chr8-93791263-G-T. GRCh37 (hg19) VCF-style: chr8-94803491-G-T.
Other names: c.1276G>T, p.Val426Phe (NM_001142301.1); short protein forms V426F, V507F.
Identifiers: ClinVar variation 1946750 (VCV001946750.3), dbSNP rs2536880968, ClinGen allele CA371690782.
Genomic context (GRCh38, chr8:93,791,263, plus strand): 5'-AAAAATAAGTTTGTATCATATAATTTCAGTATAGCTAATTTGTTTTGTTTTAAATATCAG[G>T]TTTCTTTCTCAGTCACATATGAAATGGATCATGGAGAAGCACATGTCCAGACAGATGTAA-3'
Protein context (NP_714915.3, residues 497-517): IKDANSQSVK[Val507Phe]SFSVTYEMDH